The following is an entry in ClinVar:

ClinVar aggregate classification (germline): Pathogenic (1 of 4 stars; one submission).

Conditions:
Hereditary cancer-predisposing syndrome. Also called: Neoplastic Syndromes, Hereditary; Tumor predisposition; Hereditary Cancer Syndrome; Hereditary neoplastic syndrome. Identifiers: Orphanet 140162, MedGen C0027672, MeSH D009386, MONDO:0015356.

Submission:

Ambry Genetics
Classification: Pathogenic for Hereditary cancer-predisposing syndrome. Last evaluated: 2025-11-21. Review status: criteria provided, single submitter. Criteria: Ambry Variant Classification Scheme 2023. Collection method: clinical testing. Allele origin: germline.
Comment: The c.2155dupG pathogenic mutation, located in coding exon 13 of the CDH1 gene, results from a duplication of G at nucleotide position 2155, causing a translational frameshift with a predicted alternate stop codon (p.A719Gfs*29). This variant is considered to be rare based on population cohorts in the Genome Aggregation Database (gnomAD). This alteration is expected to result in loss of function by premature protein truncation or nonsense-mediated mRNA decay. As such, this alteration is interpreted as a disease-causing mutation.

NM_004360.5(CDH1):c.2155dup (p.Ala719fs)

Gene: CDH1 (cadherin 1; plus strand). Cytogenetic location: 16q22.1.
Variant type: Duplication.
Coding change: c.2155dup on transcript NM_004360.5 (MANE Select); coding-DNA position 2155, one base duplicated (G; older notation c.2155dupG).
Protein change: p.Ala719fs; shifts the reading frame from alanine 719.
Molecular consequence: frameshift variant.
Genome position (GRCh38, 1-based): chr16:68,823,617, G duplicated. VCF-style (leftmost placement, unchanged base first): chr16-68823616-T-TG. GRCh37 (hg19) VCF-style: chr16-68857519-T-TG.
Other names: c.1972dup, p.Ala658fs (NM_001317184.2); c.607dup, p.Ala203fs (NM_001317185.2); c.190dup, p.Ala64fs (NM_001317186.2); c.2155dupG (NM_004360.3); short protein forms A64fs, A203fs, A658fs, A719fs.
Identifiers: ClinVar variation 1786810 (VCV001786810.3), dbSNP rs2543946349, ClinGen allele CA645580204.
Genomic context (GRCh38, chr16:68,823,616, plus strand): 5'-ACAGCCTGTCGAAGCAGGATTGCAAATTCCTGCCATTCTGGGGATTCTTGGAGGAATTCT[T>TG]GCTTTGCTAAGTAAGTCCAGCTGGCAAGTGACTCAGCCTTTGACTTAAAAAAATGGAGGA-3'